The following is an entry in ClinVar:

ClinVar aggregate classification (germline): Uncertain significance (1 of 4 stars; one submission).

Conditions:
Inborn genetic diseases. Identifiers: MedGen C0950123, MeSH D030342.

gnomAD v4.1: 1 of 1,613,948 alleles (0.000062%); highest among the groups gnomAD compares: Non-Finnish European, 0.000085%; no homozygotes.

Submission:

Ambry Genetics
Classification: Uncertain significance for Inborn genetic diseases. Last evaluated: 2024-09-08. Review status: criteria provided, single submitter. Criteria: Ambry Variant Classification Scheme 2023. Collection method: clinical testing. Allele origin: germline.
Comment: The p.F68L variant (also known as c.202T>C), located in coding exon 3 of the BUB1B gene, results from a T to C substitution at nucleotide position 202. The phenylalanine at codon 68 is replaced by leucine, an amino acid with highly similar properties. This amino acid position is conserved. In addition, this alteration is predicted to be tolerated by in silico analysis. Based on the available evidence, the clinical significance of this variant remains unclear.

NM_001211.6(BUB1B):c.202T>C (p.Phe68Leu)

Gene: BUB1B (BUB1 mitotic checkpoint serine/threonine kinase B; plus strand). Cytogenetic location: 15q15.1.
Variant type: single nucleotide variant.
Coding change: c.202T>C on transcript NM_001211.6 (MANE Select); coding-DNA position 202, T replaced by C.
Protein change: p.Phe68Leu; replaces phenylalanine 68 with leucine.
Molecular consequence: missense variant.
Genome position (GRCh38, 1-based): chr15:40,170,084, T>C. VCF-style: chr15-40170084-T-C. GRCh37 (hg19) VCF-style: chr15-40462285-T-C.
Other names: short protein forms F68L.
Identifiers: ClinVar variation 3483142 (VCV003483142.1).